The following is an entry in ClinVar:

ClinVar aggregate classification (germline): Pathogenic. Review status: criteria provided, single submitter (1 of 4 stars). 2 submissions from 2 submitters: Pathogenic (1). 1 of the submissions does not count toward it. Last evaluated 2022-07-19.

Conditions:
Immunodeficiency 31B. Also called: IMMUNODEFICIENCY 31B, MYCOBACTERIAL AND VIRAL INFECTIONS, AUTOSOMAL RECESSIVE; STAT1 DEFICIENCY, AUTOSOMAL RECESSIVE. Identifiers: Orphanet 391311, MedGen C3151088, MONDO:0013427, OMIM 613796.
Mendelian susceptibility to mycobacterial diseases due to partial STAT1 deficiency. Also called: IMMUNODEFICIENCY 31A, MYCOBACTERIOSIS, AUTOSOMAL DOMINANT; STAT1 DEFICIENCY, AUTOSOMAL DOMINANT; Immunodeficiency 31a. Identifiers: Orphanet 319595, MedGen C4013950, MONDO:0013956, OMIM 614892.
Autoimmune enteropathy and endocrinopathy - susceptibility to chronic infections syndrome. Also called: Immunodeficiency 31C, autosomal dominant; Immunodeficiency 31C. Identifiers: Orphanet 391487, MedGen C3279990, MONDO:0013599, OMIM 614162.

Submissions (2):

Labcorp Genetics (formerly Invitae), Labcorp
Classification: Pathogenic for Mendelian susceptibility to mycobacterial diseases due to partial STAT1 deficiency; Immunodeficiency 31B; Autoimmune enteropathy and endocrinopathy - susceptibility to chronic infections syndrome. Last evaluated: 2022-07-19. Review status: criteria provided, single submitter. Criteria: Invitae Variant Classification Sherloc (09022015). Collection method: clinical testing. Allele origin: germline.
Comment: For these reasons, this variant has been classified as Pathogenic. This variant disrupts the p.Thr288 amino acid residue in STAT1. Other variant(s) that disrupt this residue have been determined to be pathogenic (PMID: 24188975, 27114460). This suggests that this residue is clinically significant, and that variants that disrupt this residue are likely to be disease-causing. Experimental studies have shown that this missense change affects STAT1 function (PMID: 21727188). Algorithms developed to predict the effect of missense changes on protein structure and function are either unavailable or do not agree on the potential impact of this missense change (SIFT: "Tolerated"; PolyPhen-2: "Possibly Damaging"; Align-GVGD: "Class C0"). ClinVar contains an entry for this variant (Variation ID: 30090). This missense change has been observed in individuals with chronic mucocutaneous candidiasis (PMID: 21727188, 31362757). It has also been observed to segregate with disease in related individuals. This variant is not present in population databases (gnomAD no frequency). This sequence change replaces threonine, which is neutral and polar, with alanine, which is neutral and non-polar, at codon 288 of the STAT1 protein (p.Thr288Ala).

OMIM
Classification: Pathogenic for IMMUNODEFICIENCY 31C. Last evaluated: 2011-08-01. Review status: no assertion criteria provided. Collection method: literature only. Allele origin: germline. Not counted in ClinVar's aggregate classification.

Literature cited by the submitters: PubMed 24188975 (cited by Labcorp Genetics (formerly Invitae), Labcorp); PubMed 27114460 (cited by Labcorp Genetics (formerly Invitae), Labcorp); PubMed 21727188 (cited by Labcorp Genetics (formerly Invitae), Labcorp and OMIM); PubMed 31362757 (cited by Labcorp Genetics (formerly Invitae), Labcorp).

NM_007315.4(STAT1):c.862A>G (p.Thr288Ala)

Gene: STAT1 (signal transducer and activator of transcription 1; minus strand). Cytogenetic location: 2q32.2.
Variant type: single nucleotide variant.
Coding change: c.862A>G on transcript NM_007315.4 (MANE Select); coding-DNA position 862, A replaced by G.
Protein change: p.Thr288Ala; replaces threonine 288 with alanine.
Molecular consequence: missense variant. On other transcripts: intron variant (1).
Genome position (GRCh38, 1-based): chr2:190,995,143, T>C on the plus strand (A>G on the coding strand, the complement: STAT1 is on the minus strand). VCF-style: chr2-190995143-T-C. GRCh37 (hg19) VCF-style: chr2-191859869-T-C.
Other names: c.862A>G, p.Thr288Ala (NM_001384880.1, NM_001384882.1, NM_001384886.1 and 4 more transcripts); c.868A>G, p.Thr290Ala (NM_001384881.1, NM_001384884.1); c.763A>G, p.Thr255Ala (NM_001384883.1); c.772A>G, p.Thr258Ala (NM_001384890.1); c.898A>G, p.Thr300Ala (NM_001384891.1); c.785+2713A>G (NM_001384885.1); short protein forms T288A, T255A, T258A, T290A, T300A.
Identifiers: ClinVar variation 30090 (VCV000030090.8), dbSNP rs387906765, ClinGen allele CA128938.